The following is an entry in ClinVar:

ClinVar aggregate classification (germline): Likely pathogenic (1 of 4 stars; one submission).

Conditions:
Biotinidase deficiency. Also called: BTD deficiency; Late-onset biotin-responsive multiple carboxylase deficiency; Biotin deficiency. Identifiers: Orphanet 79241, MedGen C0220754, MONDO:0009665, OMIM 253260.

Submission:

Natera, Inc.
Classification: Likely pathogenic for Biotinidase deficiency. Last evaluated: 2025-09-09. Review status: criteria provided, single submitter. Criteria: Natera Variant Classification Schema (03/2026). Collection method: clinical testing. Allele origin: germline.
Comment: The c.921del variant in BTD is a frameshift variant predicted to shift the reading frame and introduce a stop codon. This variant is expected to result in nonsense mediated decay, truncation, or a dysfunctional protein product. This variant is rare in the general population with a frequency below the threshold expected for the associated phenotype(s). Given the available evidence, this variant is classified as Likely Pathogenic.

NM_000060.4:c.921del

Variant type: Deletion.
Other names: c.921del (NM_000060.4).
Identifiers: ClinVar variation 4816055 (VCV004816055.1).